The following is an entry in ClinVar:

NM_001013703.4(EIF2AK4):c.458G>A (p.Arg153Gln)

Gene: EIF2AK4 (eukaryotic translation initiation factor 2 alpha kinase 4; plus strand). Cytogenetic location: 15q15.1.
Variant type: single nucleotide variant.
Coding change: c.458G>A on transcript NM_001013703.4 (MANE Select); coding-DNA position 458, G replaced by A.
Protein change: p.Arg153Gln; replaces arginine 153 with glutamine.
Molecular consequence: missense variant.
Genome position (GRCh38, 1-based): chr15:39,949,213, G>A. VCF-style: chr15-39949213-G-A. GRCh37 (hg19) VCF-style: chr15-40241414-G-A.
Other names: short protein forms R153Q.
Identifiers: ClinVar variation 4751056 (VCV004751056.1).
Genomic context (GRCh38, chr15:39,949,213, plus strand): 5'-TTCTCAGCGAGCATAACAAGCCCCCTCCCAAGTCTTTTCATGAAGAAATGCTGGAAAGGC[G>A]GGCTCAGGAGGAGCAGCAGAGGCTGTTGGAGGCCAAGCGGAAAGAAGAGCAGGAGGTGAG-3'
Protein context (NP_001013725.2, residues 143-163): KSFHEEMLER[Arg153Gln]AQEEQQRLLE

ClinVar aggregate classification (germline): Uncertain significance (1 of 4 stars; one submission).

gnomAD v4.1: 19 of 1,614,042 alleles (0.0012%); highest among the groups gnomAD compares: South Asian, 0.0099%; 1 homozygote.

Submission:

Labcorp Genetics (formerly Invitae), Labcorp
Classification: Uncertain significance. Last evaluated: 2025-02-12. Review status: criteria provided, single submitter. Criteria: Invitae Variant Classification Sherloc (09022015). Collection method: clinical testing. Allele origin: germline.
Comment: This sequence change replaces arginine, which is basic and polar, with glutamine, which is neutral and polar, at codon 153 of the EIF2AK4 protein (p.Arg153Gln). This variant is present in population databases (rs748007652, gnomAD 0.01%). This missense change has been observed in individual(s) with pulmonary arterial hypertension (PMID: 30029678). Invitae Evidence Modeling of protein sequence and biophysical properties (such as structural, functional, and spatial information, amino acid conservation, physicochemical variation, residue mobility, and thermodynamic stability) indicates that this missense variant is not expected to disrupt EIF2AK4 protein function with a negative predictive value of 95%. In summary, the available evidence is currently insufficient to determine the role of this variant in disease. Therefore, it has been classified as a Variant of Uncertain Significance.

Literature cited by the submitters: PubMed 30029678.